The following is an entry in ClinVar:

NM_002103.5(GYS1):c.214G>T (p.Gly72Cys)

Gene: GYS1 (glycogen synthase 1; minus strand). Cytogenetic location: 19q13.33.
Variant type: single nucleotide variant.
Coding change: c.214G>T on transcript NM_002103.5 (MANE Select); coding-DNA position 214, G replaced by T.
Protein change: p.Gly72Cys; replaces glycine 72 with cysteine.
Molecular consequence: missense variant.
Genome position (GRCh38, 1-based): chr19:48,991,388, C>A on the plus strand (G>T on the coding strand, the complement: GYS1 is on the minus strand). VCF-style: chr19-48991388-C-A. GRCh37 (hg19) VCF-style: chr19-49494645-C-A.
Other names: c.214G>T, p.Gly72Cys (NM_001161587.2); short protein forms G72C.
Identifiers: ClinVar variation 1014411 (VCV001014411.8), dbSNP rs759776076, ClinGen allele CA406766677.

ClinVar aggregate classification (germline): Uncertain significance (1 of 4 stars; one submission).

Conditions:
Glycogen storage disease due to muscle and heart glycogen synthase deficiency. Also called: GSD 0b; MUSCLE GLYCOGEN SYNTHASE DEFICIENCY. Identifiers: Orphanet 137625, MedGen C1969054, MONDO:0012693, OMIM 611556.

Submission:

Labcorp Genetics (formerly Invitae), Labcorp
Classification: Uncertain significance for Glycogen storage disease due to muscle and heart glycogen synthase deficiency. Last evaluated: 2022-02-04. Review status: criteria provided, single submitter. Criteria: Invitae Variant Classification Sherloc (09022015). Collection method: clinical testing. Allele origin: germline.
Comment: In summary, the available evidence is currently insufficient to determine the role of this variant in disease. Therefore, it has been classified as a Variant of Uncertain Significance. Algorithms developed to predict the effect of sequence changes on RNA splicing suggest that this variant may create or strengthen a splice site. Algorithms developed to predict the effect of missense changes on protein structure and function are either unavailable or do not agree on the potential impact of this missense change (SIFT: "Tolerated"; PolyPhen-2: "Possibly Damaging"; Align-GVGD: "Class C0"). ClinVar contains an entry for this variant (Variation ID: 1014411). This variant has not been reported in the literature in individuals affected with GYS1-related conditions. This variant is not present in population databases (gnomAD no frequency). This sequence change replaces glycine, which is neutral and non-polar, with cysteine, which is neutral and slightly polar, at codon 72 of the GYS1 protein (p.Gly72Cys).